The following is an entry in ClinVar:

ClinVar aggregate classification (germline): Likely pathogenic (1 of 4 stars; one submission).

Conditions:
Hereditary breast ovarian cancer syndrome. Also called: Hereditary breast and ovarian cancer syndrome; BRCA1- and BRCA2-Associated Hereditary Breast and Ovarian Cancer; Hereditary breast and ovarian cancer; Hereditary breast and ovarian cancer syndrome (HBOC); Breast and ovarian cancer; Hereditary breast and/or ovarian cancer syndrome. Identifiers: Orphanet 145, MedGen C0677776, MeSH D061325, MONDO:0003582. Disease mechanism: loss of function.

Submission:

Genetics and Personalized Medicine Clinic, Tartu University Hospital
Classification: Likely pathogenic for Hereditary breast ovarian cancer syndrome. Last evaluated: 2017-01-06. Review status: criteria provided, single submitter. Criteria: ACMG Guidelines, 2015. Collection method: clinical testing. Allele origin: germline. Affected: yes. Observed: 1 variant allele.
Comment: This deletion likely disrupts the BRCA1 gene, causing loss of normal protein function. Loss-of-function variants in BRCA1 are a recognized cause of hereditary breast and ovarian cancer, and large exon-spanning deletions are generally classified as pathogenic under ACMG criteria.

NC_000017.10:g.(?_41226347)_(41258472_?)del

Gene: BRCA1 (BRCA1 DNA repair associated; minus strand). Cytogenetic location: 17q21.31.
Variant type: Deletion.
Identifiers: ClinVar variation 4526424 (VCV004526424.1).